The following is an entry in ClinVar:

NM_001365999.1(SZT2):c.3604G>T (p.Ala1202Ser)

Gene: SZT2 (SZT2 subunit of KICSTOR complex; plus strand). Cytogenetic location: 1p34.2.
Variant type: single nucleotide variant.
Coding change: c.3604G>T on transcript NM_001365999.1 (MANE Select); coding-DNA position 3604, G replaced by T.
Protein change: p.Ala1202Ser; replaces alanine 1202 with serine.
Molecular consequence: missense variant.
Genome position (GRCh38, 1-based): chr1:43,427,535, G>T. VCF-style: chr1-43427535-G-T. GRCh37 (hg19) VCF-style: chr1-43893206-G-T.
Other names: c.3433G>T (NM_015284.3); c.3433G>T, p.Ala1145Ser (NM_015284.4); short protein forms A1202S, A1145S.
Identifiers: ClinVar variation 1439448 (VCV001439448.7), dbSNP rs775601130, ClinGen allele CA809048.
Genomic context (GRCh38, chr1:43,427,535, plus strand): 5'-GTGGGAGTGGGAAACAGATAGAGCTGGAAGACCACGTGACACCTTTTCTTCACAGACAAT[G>T]CCCAGAATCAAGGAGAGCTAAGTCCACCATTCCGTCGAGACTTACAGGCTTACGCTGGGC-3'
Protein context (NP_001352928.1, residues 1192-1212): VLSVTLASDN[Ala1202Ser]QNQGELSPPF

ClinVar aggregate classification (germline): Uncertain significance. Review status: criteria provided, multiple submitters, no conflicts (2 of 4 stars). 2 submissions from 2 submitters: Uncertain significance (2). Last evaluated 2025-08-10.

Conditions:
Inborn genetic diseases. Identifiers: MedGen C0950123, MeSH D030342.

Allele frequency attached by ClinVar (database versions not stated): gnomAD exomes below 0.00001 and 0.00001; ExAC 0.00001.
gnomAD v4.1: 9 of 1,614,230 alleles (0.00056%); highest among the groups gnomAD compares: Non-Finnish European, 0.00076%; no homozygotes.

Submissions (2):

Ambry Genetics
Classification: Uncertain significance for Inborn genetic diseases. Last evaluated: 2025-08-10. Review status: criteria provided, single submitter. Criteria: Ambry Variant Classification Scheme 2023. Collection method: clinical testing. Allele origin: germline.

Labcorp Genetics (formerly Invitae), Labcorp
Classification: Uncertain significance. Last evaluated: 2024-06-17. Review status: criteria provided, single submitter. Criteria: Invitae Variant Classification Sherloc (09022015). Collection method: clinical testing. Allele origin: germline.
Comment: This sequence change replaces alanine, which is neutral and non-polar, with serine, which is neutral and polar, at codon 1145 of the SZT2 protein (p.Ala1145Ser). This variant is present in population databases (rs775601130, gnomAD 0.0009%). This variant has not been reported in the literature in individuals affected with SZT2-related conditions. ClinVar contains an entry for this variant (Variation ID: 1439448). Advanced modeling of protein sequence and biophysical properties (such as structural, functional, and spatial information, amino acid conservation, physicochemical variation, residue mobility, and thermodynamic stability) performed at Invitae indicates that this missense variant is not expected to disrupt SZT2 protein function with a negative predictive value of 80%. In summary, the available evidence is currently insufficient to determine the role of this variant in disease. Therefore, it has been classified as a Variant of Uncertain Significance.